The following is an entry in ClinVar:

NM_006180.6(NTRK2):c.1376A>C (p.His459Pro)

Gene: NTRK2 (neurotrophic receptor tyrosine kinase 2; plus strand). Cytogenetic location: 9q21.33.
Variant type: single nucleotide variant.
Coding change: c.1376A>C on transcript NM_006180.6 (MANE Select); coding-DNA position 1376, A replaced by C.
Protein change: p.His459Pro; replaces histidine 459 with proline.
Molecular consequence: missense variant.
Genome position (GRCh38, 1-based): chr9:84,752,065, A>C. VCF-style: chr9-84752065-A-C. GRCh37 (hg19) VCF-style: chr9-87366980-A-C.
Other names: c.908A>C, p.His303Pro (NM_001369535.1, NM_001369536.1, NM_001369550.1 and 2 more transcripts); c.1376A>C, p.His459Pro (NM_001369537.1, NM_001369538.1, NM_001369539.1 and 15 more transcripts); c.1337A>C, p.His446Pro (NM_001369546.1, NM_001291937.2); c.1340A>C, p.His447Pro (NM_001369534.1); short protein forms H303P, H447P, H459P, H446P.
Identifiers: ClinVar variation 4741343 (VCV004741343.1).
Genomic context (GRCh38, chr9:84,752,065, plus strand): 5'-TTGCGTCTGTGGTGGGATTTTGCCTTTTGGTAATGCTGTTTCTGCTTAAGTTGGCAAGAC[A>C]CTCCAAGTTTGGCATGAAAGGTAAGAAGGGTTGTGTTTATTTAGCTTCTTATGTGGATCA-3'
Protein context (NP_006171.2, residues 449-469): VMLFLLKLAR[His459Pro]SKFGMKDFSW

ClinVar aggregate classification (germline): Uncertain significance (1 of 4 stars; one submission).

Submission:

Labcorp Genetics (formerly Invitae), Labcorp
Classification: Uncertain significance. Last evaluated: 2025-06-16. Review status: criteria provided, single submitter. Criteria: Invitae Variant Classification Sherloc (09022015). Collection method: clinical testing. Allele origin: germline.
Comment: This sequence change replaces histidine, which is basic and polar, with proline, which is neutral and non-polar, at codon 459 of the NTRK2 protein (p.His459Pro). This variant is not present in population databases (gnomAD no frequency). This variant has not been reported in the literature in individuals affected with NTRK2-related conditions. Invitae Evidence Modeling of protein sequence and biophysical properties (such as structural, functional, and spatial information, amino acid conservation, physicochemical variation, residue mobility, and thermodynamic stability) indicates that this missense variant is not expected to disrupt NTRK2 protein function with a negative predictive value of 80%. In summary, the available evidence is currently insufficient to determine the role of this variant in disease. Therefore, it has been classified as a Variant of Uncertain Significance.